The following is an entry in ClinVar:

NM_024570.4(RNASEH2B):c.868G>A (p.Asp290Asn)

Gene: RNASEH2B (ribonuclease H2 subunit B; plus strand). Cytogenetic location: 13q14.3.
Variant type: single nucleotide variant.
Coding change: c.868G>A on transcript NM_024570.4 (MANE Select); coding-DNA position 868, G replaced by A.
Protein change: p.Asp290Asn; replaces aspartic acid 290 with asparagine.
Molecular consequence: missense variant. On other transcripts: intron variant (1).
Genome position (GRCh38, 1-based): chr13:50,956,403, G>A. VCF-style: chr13-50956403-G-A. GRCh37 (hg19) VCF-style: chr13-51530539-G-A.
Other names: c.741+6898G>A (NM_001142279.2); short protein forms D290N.
Identifiers: ClinVar variation 586407 (VCV000586407.10), dbSNP rs201190805, ClinGen allele CA6985742.

ClinVar aggregate classification (germline): Uncertain significance. Review status: criteria provided, multiple submitters, no conflicts (2 of 4 stars). 4 submissions from 4 submitters: Uncertain significance (4). Last evaluated 2026-02-13.

Conditions:
Aicardi-Goutieres syndrome 2. Identifiers: Orphanet 51, MedGen C3489724, MONDO:0012429, OMIM 610181.

Allele frequency attached by ClinVar (database versions not stated): ESP Exome Variant Server 0.00015; 1000 Genomes Project 30x 0.00016; 1000 Genomes Project 0.00020; gnomAD 0.00026 and 0.00029; TOPMed 0.00029; gnomAD exomes 0.00040 and 0.00043; ExAC 0.00072.
gnomAD v4.1: 620 of 1,603,328 alleles (0.039%); highest among the groups gnomAD compares: Non-Finnish European, 0.042%; no homozygotes.

Submissions (4):

OLLIN Analises Genomicas, OLLIN
Classification: Uncertain significance for Aicardi-Goutieres syndrome 2. Last evaluated: 2026-02-13. Review status: criteria provided, single submitter. Criteria: ACMG Guidelines 2015 PMID 25741868. Collection method: clinical testing. Allele origin: germline. Observed: 1 variant allele.
Comment: PM2_P

Fulgent Genetics
Classification: Uncertain significance for Aicardi-Goutieres syndrome 2. Last evaluated: 2023-12-21. Review status: criteria provided, single submitter. Criteria: ACMG Guidelines, 2015. Collection method: clinical testing. Allele origin: germline.

Labcorp Genetics (formerly Invitae), Labcorp
Classification: Uncertain significance for Aicardi-Goutieres syndrome 2. Last evaluated: 2022-10-31. Review status: criteria provided, single submitter. Criteria: Invitae Variant Classification Sherloc (09022015). Collection method: clinical testing. Allele origin: germline.
Comment: This sequence change replaces aspartic acid, which is acidic and polar, with asparagine, which is neutral and polar, at codon 290 of the RNASEH2B protein (p.Asp290Asn). This variant is present in population databases (rs201190805, gnomAD 0.1%). This variant has not been reported in the literature in individuals affected with RNASEH2B-related conditions. ClinVar contains an entry for this variant (Variation ID: 586407). Advanced modeling of protein sequence and biophysical properties (such as structural, functional, and spatial information, amino acid conservation, physicochemical variation, residue mobility, and thermodynamic stability) has been performed at Invitae for this missense variant, however the output from this modeling did not meet the statistical confidence thresholds required to predict the impact of this variant on RNASEH2B protein function. In summary, the available evidence is currently insufficient to determine the role of this variant in disease. Therefore, it has been classified as a Variant of Uncertain Significance.

Athena Diagnostics
Classification: Uncertain significance. Last evaluated: 2017-11-28. Review status: criteria provided, single submitter. Criteria: Athena Diagnostics Criteria. Collection method: clinical testing. Allele origin: germline.